The following is an entry in ClinVar:

ClinVar aggregate classification (germline): Uncertain significance (1 of 4 stars; one submission).

Conditions:
Moyamoya disease 2 (MYMY2). Also called: MOYAMOYA DISEASE 2, SUSCEPTIBILITY TO. Identifiers: Orphanet 2573, MedGen C1846689, MONDO:0011784, OMIM 607151.

Submission:

3billion
Classification: Uncertain significance for Moyamoya disease 2. Last evaluated: 2025-03-04. Review status: criteria provided, single submitter. Criteria: ACMG Guidelines, 2015. Collection method: clinical testing. Allele origin: germline. Affected: yes.
Comment: The variant is observed at an extremely low frequency in the gnomAD v4.1.0 dataset (total allele frequency: 0.004%). Predicted Consequence/Location: Intron variant In silico tools predict the variant to alter splicing and produce an abnormal transcript [SpliceAI: 0.63 (>=0.2, moderate evidence for spliceogenicity)]. Therefore, this variant is classified as VUS according to the recommendation of ACMG/AMP guideline.

NM_001256071.3(RNF213):c.13186-22_13186-17del

Genes: RNF213 (ring finger protein 213; plus strand), RNF213-AS1 (RNF213 antisense RNA 1; minus strand). Cytogenetic location: 17q25.3.
Variant type: Deletion.
Coding change: c.13186-22_13186-17del on transcript NM_001256071.3 (MANE Select); 22 bases into the intron before coding-DNA position 13186 through 17 bases into the intron before coding-DNA position 13186, 6 bases deleted (TGTTAA; older notation c.13186-22_13186-17delTGTTAA).
Molecular consequence: intron variant.
Genome position (GRCh38, 1-based): chr17:80,376,279-80,376,284, TGTTAA deleted; deleting any 6 consecutive bases within chr17:80,376,275-80,376,284 gives the same sequence; the c. name uses the placement nearest the transcript's 3' end. VCF-style (leftmost placement, unchanged base first): chr17-80376274-CTTAATG-C. GRCh37 (hg19) VCF-style: chr17-78350074-CTTAATG-C.
Other names: c.13333-22_13333-17del (NM_020914.5, NM_001410195.1).
Identifiers: ClinVar variation 4293100 (VCV004293100.1).